The following is an entry in ClinVar:

ClinVar aggregate classification (germline): Uncertain significance. Review status: criteria provided, single submitter (1 of 4 stars). 2 submissions from 2 submitters: Uncertain significance (1). 1 of the submissions does not count toward it. Last evaluated 2025-05-13.

Conditions:
ELOVL4-related disorder. Also called: ELOVL4-related condition; ELOVL4-related disorders.

Allele frequency attached by ClinVar (database versions not stated): gnomAD exomes 0.00001; ExAC 0.00001; TOPMed 0.00001.

Submissions (2):

Labcorp Genetics (formerly Invitae), Labcorp
Classification: Uncertain significance. Last evaluated: 2025-05-13. Review status: criteria provided, single submitter. Criteria: Invitae Variant Classification Sherloc (09022015). Collection method: clinical testing. Allele origin: germline.
Comment: This sequence change replaces threonine, which is neutral and polar, with methionine, which is neutral and non-polar, at codon 164 of the ELOVL4 protein (p.Thr164Met). This variant is present in population databases (rs778754549, gnomAD 0.003%). This variant has not been reported in the literature in individuals affected with ELOVL4-related conditions. ClinVar contains an entry for this variant (Variation ID: 1005394). Invitae Evidence Modeling of protein sequence and biophysical properties (such as structural, functional, and spatial information, amino acid conservation, physicochemical variation, residue mobility, and thermodynamic stability) has been performed for this missense variant. However, the output from this modeling did not meet the statistical confidence thresholds required to predict the impact of this variant on ELOVL4 protein function. In summary, the available evidence is currently insufficient to determine the role of this variant in disease. Therefore, it has been classified as a Variant of Uncertain Significance.

PreventionGenetics, part of Exact Sciences
Classification: Uncertain significance for ELOVL4-related condition. Last evaluated: 2024-09-10. Review status: no assertion criteria provided. Collection method: clinical testing. Allele origin: germline. Not counted in ClinVar's aggregate classification.
Comment: The ELOVL4 c.491C>T variant is predicted to result in the amino acid substitution p.Thr164Met. To our knowledge, this variant has not been reported in the literature. This variant is reported in 0.0029% of alleles in individuals of Latino descent in gnomAD. At this time, the clinical significance of this variant is uncertain due to the absence of conclusive functional and genetic evidence.

NM_022726.4(ELOVL4):c.491C>T (p.Thr164Met)

Gene: ELOVL4 (ELOVL fatty acid elongase 4; minus strand). Cytogenetic location: 6q14.1.
Variant type: single nucleotide variant.
Coding change: c.491C>T on transcript NM_022726.4 (MANE Select); coding-DNA position 491, C replaced by T.
Protein change: p.Thr164Met; replaces threonine 164 with methionine.
Molecular consequence: missense variant.
Genome position (GRCh38, 1-based): chr6:79,921,675, G>A on the plus strand (C>T on the coding strand, the complement: ELOVL4 is on the minus strand). VCF-style: chr6-79921675-G-A. GRCh37 (hg19) VCF-style: chr6-80631392-G-A.
Other names: c.491C>T (NM_022726.3); short protein forms T164M.
Identifiers: ClinVar variation 1005394 (VCV001005394.9), dbSNP rs778754549, ClinGen allele CA3901526.
Genomic context (GRCh38, chr6:79,921,675, plus strand): 5'-AAATGCTCACCTTGTCCTCCTGCAACCCACTTAATTCCAATCCACCACAAGGTAAACATC[G>A]TACAGTGATGATACACATGAAGGAAAGAAACTTGGTTGTTTTTCTTTCTCAGAATAAAAA-3'
Protein context (NP_073563.1, residues 154-174): VSFLHVYHHC[Thr164Met]MFTLWWIGIK